The following is an entry in ClinVar:

NM_000166.6(GJB1):c.124A>G (p.Ser42Gly)

Gene: GJB1 (gap junction protein beta 1; plus strand). Cytogenetic location: Xq13.1.
Variant type: single nucleotide variant.
Coding change: c.124A>G on transcript NM_000166.6 (MANE Select); coding-DNA position 124, A replaced by G.
Protein change: p.Ser42Gly; replaces serine 42 with glycine.
Molecular consequence: missense variant.
Genome position (GRCh38, 1-based): chrX:71,223,831, A>G. VCF-style: chrX-71223831-A-G. GRCh37 (hg19) VCF-style: chrX-70443681-A-G.
Other names: c.124A>G, p.Ser42Gly (NM_001097642.3); short protein forms S42G.
Identifiers: ClinVar variation 1918320 (VCV001918320.5), dbSNP rs1602348801, ClinGen allele CA413501014.

ClinVar aggregate classification (germline): Uncertain significance (1 of 4 stars; one submission).

Conditions:
Charcot-Marie-Tooth Neuropathy X. Identifiers: MedGen CN118851.

Submission:

Labcorp Genetics (formerly Invitae), Labcorp
Classification: Uncertain significance for Charcot-Marie-Tooth Neuropathy X. Last evaluated: 2023-04-21. Review status: criteria provided, single submitter. Criteria: Invitae Variant Classification Sherloc (09022015). Collection method: clinical testing. Allele origin: germline.
Comment: Advanced modeling of protein sequence and biophysical properties (such as structural, functional, and spatial information, amino acid conservation, physicochemical variation, residue mobility, and thermodynamic stability) performed at Invitae indicates that this missense variant is not expected to disrupt GJB1 protein function. ClinVar contains an entry for this variant (Variation ID: 1918320). This missense change has been observed in individual(s) with Charcot-Marie-Tooth disease type 1X (PMID: 31919945). This variant is not present in population databases (gnomAD no frequency). This sequence change replaces serine, which is neutral and polar, with glycine, which is neutral and non-polar, at codon 42 of the GJB1 protein (p.Ser42Gly). In summary, the available evidence is currently insufficient to determine the role of this variant in disease. Therefore, it has been classified as a Variant of Uncertain Significance.

Literature cited by the submitters: PubMed 31919945.